The following is an entry in ClinVar:

NM_001370466.1(NOD2):c.2443T>C (p.Cys815Arg)

Gene: NOD2 (nucleotide binding oligomerization domain containing 2; plus strand). Cytogenetic location: 16q12.1.
Variant type: single nucleotide variant.
Coding change: c.2443T>C on transcript NM_001370466.1 (MANE Select); coding-DNA position 2443, T replaced by C.
Protein change: p.Cys815Arg; replaces cysteine 815 with arginine.
Molecular consequence: missense variant. On other transcripts: non-coding transcript variant (1).
Genome position (GRCh38, 1-based): chr16:50,716,648, T>C. VCF-style: chr16-50716648-T-C. GRCh37 (hg19) VCF-style: chr16-50750559-T-C.
Other names: c.2443T>C, p.Cys815Arg (NM_001293557.2); c.2524T>C, p.Cys842Arg (NM_022162.3); short protein forms C815R, C842R.
Identifiers: ClinVar variation 947472 (VCV000947472.1), dbSNP rs146313066, ClinGen allele CA8051812.

ClinVar aggregate classification (germline): Uncertain significance (1 of 4 stars; one submission).

Conditions:
Blau syndrome (BLAUS). Also called: GRANULOMATOSIS, FAMILIAL JUVENILE SYSTEMIC; GRANULOMATOSIS, FAMILIAL, BLAU TYPE; GRANULOMATOUS INFLAMMATORY ARTHRITIS, DERMATITIS, AND UVEITIS, FAMILIAL; JABS SYNDROME; ARTHROCUTANEOUVEAL GRANULOMATOSIS. Identifiers: Orphanet 90340, MedGen C5201146, MONDO:0008523, OMIM 186580.
Inflammatory bowel disease 1 (IBD1). Also called: INFLAMMATORY BOWEL DISEASE (CROHN DISEASE) 1; Inflammatory bowel disease 1, Crohn disease. Identifiers: MedGen CN260071, MONDO:0009960, OMIM 266600.

Allele frequency attached by ClinVar (database versions not stated): gnomAD 0.00001; TOPMed 0.00001; ExAC 0.00002; gnomAD exomes 0.00003; ESP Exome Variant Server 0.00015.
gnomAD v4.1: 43 of 1,614,112 alleles (0.0027%); highest among the groups gnomAD compares: Non-Finnish European, 0.0035%; no homozygotes.

Submission:

Labcorp Genetics (formerly Invitae), Labcorp
Classification: Uncertain significance for Inflammatory bowel disease 1; Granulomatous inflammatory arthritis, dermatitis and uveitis, familial. Last evaluated: 2019-08-04. Review status: criteria provided, single submitter. Criteria: Invitae Variant Classification Sherloc (09022015). Collection method: clinical testing. Allele origin: germline.
Comment: This sequence change replaces cysteine with arginine at codon 842 of the NOD2 protein (p.Cys842Arg). The cysteine residue is highly conserved and there is a large physicochemical difference between cysteine and arginine. This variant is present in population databases (rs146313066, ExAC 0.005%). This variant has been observed in a cohort of individuals affected with Crohn's disease (PMID: 30166421). Algorithms developed to predict the effect of missense changes on protein structure and function are either unavailable or do not agree on the potential impact of this missense change (SIFT: "Deleterious"; PolyPhen-2: "Possibly Damaging"; Align-GVGD: "Class C0"). In summary, the available evidence is currently insufficient to determine the role of this variant in disease. Therefore, it has been classified as a Variant of Uncertain Significance.

Literature cited by the submitters: PubMed 30166421.